The following is an entry in ClinVar:

NM_017763.6(RNF43):c.692C>T (p.Pro231Leu)

Gene: RNF43 (ring finger protein 43; minus strand). Cytogenetic location: 17q22.
Variant type: single nucleotide variant.
Coding change: c.692C>T on transcript NM_017763.6 (MANE Select); coding-DNA position 692, C replaced by T.
Protein change: p.Pro231Leu; replaces proline 231 with leucine.
Molecular consequence: missense variant.
Genome position (GRCh38, 1-based): chr17:58,360,940, G>A on the plus strand (C>T on the coding strand, the complement: RNF43 is on the minus strand). VCF-style: chr17-58360940-G-A. GRCh37 (hg19) VCF-style: chr17-56438301-G-A.
Other names: p.Pro231Leu; c.692C>T, p.Pro231Leu (NM_001305544.3); c.311C>T, p.Pro104Leu (NM_001305545.2); short protein forms P104L, P231L.
Identifiers: ClinVar variation 1166451 (VCV001166451.18), dbSNP rs2680701, ClinGen allele CA8673319.

ClinVar aggregate classification (germline): Benign/Likely benign. Review status: criteria provided, multiple submitters, no conflicts (2 of 4 stars). 9 submissions from 9 submitters: Benign (7); Likely benign (1). 1 of the submissions does not count toward it. Last evaluated 2026-06-30.

Conditions:
Hereditary cancer-predisposing syndrome. Also called: Tumor predisposition; Hereditary neoplastic syndrome; Hereditary Cancer Syndrome; Neoplastic Syndromes, Hereditary. Identifiers: Orphanet 140162, MedGen C0027672, MeSH D009386, MONDO:0015356.
Sessile serrated polyposis cancer syndrome (SSPCS). Identifiers: Orphanet 157798, MedGen C4310714, MONDO:0014919, OMIM 617108.
RNF43-related disorder. Also called: RNF43-related condition.

Allele frequency attached by ClinVar (database versions not stated): 1000 Genomes Project 0.08247; 1000 Genomes Project 30x 0.08573; TOPMed 0.13373; gnomAD 0.13626 and 0.13827; gnomAD exomes 0.14368 and 0.17866; ExAC 0.14830; ESP Exome Variant Server 0.15008.
gnomAD v4.1: 272,709 of 1,564,238 alleles (17%); highest among the groups gnomAD compares: Non-Finnish European, 20%; 25,898 homozygotes.

Submissions (9):

Myriad Genetics, Inc.
Classification: Benign for Sessile serrated polyposis cancer syndrome. Last evaluated: 2026-06-30. Review status: criteria provided, single submitter. Criteria: Myriad Autosomal Dominant, Autosomal Recessive and X-Linked Classification Criteria (2023). Collection method: clinical testing. Allele origin: unknown.
Comment: This variant is considered benign. This variant has been observed at a population frequency that is significantly greater than expected given the associated disease prevalence and penetrance.

Labcorp Genetics (formerly Invitae), Labcorp
Classification: Benign. Last evaluated: 2026-02-04. Review status: criteria provided, single submitter. Criteria: Invitae Variant Classification Sherloc (09022015). Collection method: clinical testing. Allele origin: germline.

GeneKor MSA
Classification: Benign for Hereditary cancer-predisposing syndrome. Last evaluated: 2025-07-10. Review status: criteria provided, single submitter. Criteria: ACMG Guidelines, 2015. Collection method: clinical testing. Allele origin: germline.

Blueprint Genetics
Classification: Likely benign. Last evaluated: 2024-11-28. Review status: criteria provided, single submitter. Criteria: ACMG Guidelines, 2015. Collection method: clinical testing. Allele origin: germline.

Ambry Genetics
Classification: Benign. Last evaluated: 2024-10-18. Review status: criteria provided, single submitter. Criteria: Ambry Variant Classification Scheme 2023. Collection method: clinical testing. Allele origin: germline.

Mayo Clinic Laboratories, Mayo Clinic
Classification: Benign. Last evaluated: 2022-04-26. Review status: criteria provided, single submitter. Criteria: ACMG Guidelines, 2015. Collection method: clinical testing. Allele origin: germline. Observed: 168 variant alleles.

GeneDx
Classification: Benign. Last evaluated: 2019-06-14. Review status: criteria provided, single submitter. Criteria: GeneDx Variant Classification Process June 2021. Collection method: clinical testing. Allele origin: germline. Affected: yes.

Breakthrough Genomics
Classification: Benign. Review status: criteria provided, single submitter. Criteria: ACMG Guidelines, 2015. Collection method: not provided. Allele origin: germline. Inheritance: Autosomal dominant inheritance. Affected: yes.

PreventionGenetics, part of Exact Sciences
Classification: Benign for RNF43-related condition. Last evaluated: 2019-10-30. Review status: no assertion criteria provided. Collection method: clinical testing. Allele origin: germline. Not counted in ClinVar's aggregate classification.
Comment: This variant is classified as benign based on ACMG/AMP sequence variant interpretation guidelines (Richards et al. 2015 PMID: 25741868, with internal and published modifications).